The following is an entry in ClinVar:

ClinVar aggregate classification (germline): Benign/Likely benign. Review status: criteria provided, multiple submitters, no conflicts (2 of 4 stars). 4 submissions from 4 submitters: Benign (3); Likely benign (1). Last evaluated 2026-05-01.

Allele frequency attached by ClinVar (database versions not stated): 1000 Genomes Project 30x 0.00297; 1000 Genomes Project 0.00339; TOPMed 0.00580; ESP Exome Variant Server 0.00690; ExAC 0.00731; gnomAD 0.00737 and 0.00753; gnomAD exomes 0.00757.
gnomAD v4.1: 12,715 of 1,613,938 alleles (0.79%); highest among the groups gnomAD compares: Middle Eastern, 1%; 82 homozygotes.

Submissions (4):

CeGaT Center for Human Genetics Tuebingen
Classification: Likely benign. Last evaluated: 2026-05-01. Review status: criteria provided, single submitter. Criteria: CeGaT Center For Human Genetics Tuebingen Variant Classification Criteria Version 2. Collection method: clinical testing. Allele origin: germline. Affected: yes. Observed: 20 variant alleles.
Comment: TENM4: BP4, BP7, BS2

Mayo Clinic Laboratories, Mayo Clinic
Classification: Benign. Last evaluated: 2023-03-09. Review status: criteria provided, single submitter. Criteria: ACMG Guidelines, 2015. Collection method: clinical testing. Allele origin: germline. Observed: 13 variant alleles.
Comment: BS1, BS2, BP5, BP7

Labcorp Genetics (formerly Invitae), Labcorp
Classification: Benign. Last evaluated: 2019-12-31. Review status: criteria provided, single submitter. Criteria: Invitae Variant Classification Sherloc (09022015). Collection method: clinical testing. Allele origin: germline.

Breakthrough Genomics
Classification: Benign. Review status: criteria provided, single submitter. Criteria: ACMG Guidelines, 2015. Collection method: not provided. Allele origin: germline. Inheritance: Autosomal dominant inheritance. Affected: yes.

NM_001098816.3(TENM4):c.6234C>T (p.Asn2078=)

Gene: TENM4 (teneurin transmembrane protein 4; minus strand). Cytogenetic location: 11q14.1.
Variant type: single nucleotide variant.
Coding change: c.6234C>T on transcript NM_001098816.3 (MANE Select); coding-DNA position 6234, C replaced by T.
Protein change: p.Asn2078=; no amino-acid change (asparagine 2078 retained).
Molecular consequence: synonymous variant.
Genome position (GRCh38, 1-based): chr11:78,670,111, G>A on the plus strand (C>T on the coding strand, the complement: TENM4 is on the minus strand). VCF-style: chr11-78670111-G-A. GRCh37 (hg19) VCF-style: chr11-78381156-G-A.
Other names: p.Asn2078=.
Identifiers: ClinVar variation 770978 (VCV000770978.35), dbSNP rs139879711, ClinGen allele CA6206444.